The following is an entry in ClinVar:

NM_000540.3(RYR1):c.9751G>A (p.Ala3251Thr)

Gene: RYR1 (ryanodine receptor 1; plus strand). Cytogenetic location: 19q13.2.
Variant type: single nucleotide variant.
Coding change: c.9751G>A on transcript NM_000540.3 (MANE Select); coding-DNA position 9751, G replaced by A.
Protein change: p.Ala3251Thr; replaces alanine 3251 with threonine.
Molecular consequence: missense variant.
Genome position (GRCh38, 1-based): chr19:38,517,424, G>A. VCF-style: chr19-38517424-G-A. GRCh37 (hg19) VCF-style: chr19-39008064-G-A.
Other names: c.9751G>A, p.Ala3251Thr (NM_001042723.2); short protein forms A3251T.
Identifiers: ClinVar variation 3385510 (VCV003385510.1).

ClinVar aggregate classification (germline): Uncertain significance (1 of 4 stars; one submission).

Conditions:
Malignant hyperthermia, susceptibility to, 1 (MHS1). Also called: Anesthesia related hyperthermia; Malignant hyperpyrexia; Fulminating hyperpyrexia; Pharmacogenic myopathy; Malignant hyperthermia suceptibility 1; RYR1-Related Malignant Hyperthermia Susceptibility. Identifiers: Orphanet 423, MedGen C2930980, MONDO:0007783, OMIM 145600.

Submission:

All of Us Research Program, National Institutes of Health
Classification: Uncertain significance for Malignant hyperthermia, susceptibility to, 1. Last evaluated: 2024-08-06. Review status: criteria provided, single submitter. Criteria: ACMG Guidelines, 2015. Collection method: clinical testing. Allele origin: germline. Inheritance: Autosomal dominant inheritance. Observed: 1 variant allele, 1 heterozygote.
Comment: This study involves interpretation of variants in research participants for the purpose of population health screening. Participant phenotype was not available at the time of variant classification. Additional details can be found in publication PMID: 35346344, PMCID: PMC8962531